The following is an entry in ClinVar:

ClinVar aggregate classification (germline): Uncertain significance (1 of 4 stars; one submission).

Conditions:
Inborn genetic diseases. Identifiers: MedGen C0950123, MeSH D030342.

Submission:

Ambry Genetics
Classification: Uncertain significance for Inborn genetic diseases. Last evaluated: 2026-05-27. Review status: criteria provided, single submitter. Criteria: Ambry Variant Classification Scheme 2023. Collection method: clinical testing. Allele origin: germline.
Comment: The p.L1454V variant (also known as c.4360T>G), located in coding exon 30 of the ANKRD26 gene, results from a T to G substitution at nucleotide position 4360. The leucine at codon 1454 is replaced by valine, an amino acid with highly similar properties. This amino acid position is conserved. In addition, this alteration is predicted to be tolerated by in silico analysis. Based on the available evidence, the clinical significance of this variant remains unclear.

NM_014915.3(ANKRD26):c.4360T>G (p.Leu1454Val)

Gene: ANKRD26 (ankyrin repeat domain 26; minus strand). Cytogenetic location: 10p12.1.
Variant type: single nucleotide variant.
Coding change: c.4360T>G on transcript NM_014915.3 (MANE Select); coding-DNA position 4360, T replaced by G.
Protein change: p.Leu1454Val; replaces leucine 1454 with valine.
Molecular consequence: missense variant.
Genome position (GRCh38, 1-based): chr10:27,017,648, A>C on the plus strand (T>G on the coding strand, the complement: ANKRD26 is on the minus strand). VCF-style: chr10-27017648-A-C. GRCh37 (hg19) VCF-style: chr10-27306577-A-C.
Other names: c.4357T>G, p.Leu1453Val (NM_001256053.2); short protein forms L1453V, L1454V.
Identifiers: ClinVar variation 4859928 (VCV004859928.1).